The following is an entry in ClinVar:

NM_001127392.3(MYRF):c.2415C>T (p.Ala805=)

Gene: MYRF (myelin regulatory factor; plus strand). Cytogenetic location: 11q12.2.
Variant type: single nucleotide variant.
Coding change: c.2415C>T on transcript NM_001127392.3 (MANE Select); coding-DNA position 2415, C replaced by T.
Protein change: p.Ala805=; no amino-acid change (alanine 805 retained).
Molecular consequence: synonymous variant. On other transcripts: intron variant (1).
Genome position (GRCh38, 1-based): chr11:61,780,721, C>T. VCF-style: chr11-61780721-C-T. GRCh37 (hg19) VCF-style: chr11-61548193-C-T.
Other names: c.2379-236C>T (NM_013279.4).
Identifiers: ClinVar variation 3049508 (VCV003049508.3), dbSNP rs142182853, ClinGen allele CA6038160.
Genomic context (GRCh38, chr11:61,780,721, plus strand): 5'-CTTCTCTTCCCCTTTGCCTGTCTCACCCTTTGCCTTTTTGCTGCCCCTTAGCTCTTTTGC[C>T]GTGTCCACTTCCTGTCTCCTGGCCCTGCTCCGGCCCCAGCCCCCTGGGGGGAGTGAGGCC-3'
Protein context (NP_001120864.1, residues 795-815): EDLVDTDGSF[Ala805=]VSTSCLLALL

ClinVar aggregate classification (germline): Likely benign. Review status: criteria provided, single submitter (1 of 4 stars). 2 submissions from 2 submitters: Likely benign (1). 1 of the submissions does not count toward it. Last evaluated 2024-11-21.

Conditions:
MYRF-related disorder. Also called: MYRF-related disorders; MYRF-related condition.

Allele frequency attached by ClinVar (database versions not stated): TOPMed 0.00032; gnomAD exomes 0.00099; gnomAD 0.00131; 1000 Genomes Project 30x 0.00172; 1000 Genomes Project 0.00220; ExAC 0.00256.
gnomAD v4.1: 1,552 of 1,549,876 alleles (0.1%); highest among the groups gnomAD compares: South Asian, 0.49%; 11 homozygotes.

Submissions (2):

Blueprint Genetics
Classification: Likely benign. Last evaluated: 2024-11-21. Review status: criteria provided, single submitter. Criteria: ACMG Guidelines, 2015. Collection method: clinical testing. Allele origin: germline.

PreventionGenetics, part of Exact Sciences
Classification: Benign for MYRF-related condition. Last evaluated: 2019-09-09. Review status: no assertion criteria provided. Collection method: clinical testing. Allele origin: germline. Not counted in ClinVar's aggregate classification.
Comment: This variant is classified as benign based on ACMG/AMP sequence variant interpretation guidelines (Richards et al. 2015 PMID: 25741868, with internal and published modifications).